The following is an entry in ClinVar:

NM_000179.3(MSH6):c.628-11T>C

Gene: MSH6 (mutS homolog 6; plus strand). Cytogenetic location: 2p16.3.
Variant type: single nucleotide variant.
Coding change: c.628-11T>C on transcript NM_000179.3 (MANE Select); 11 bases into the intron before coding-DNA position 628, T replaced by C.
Molecular consequence: intron variant.
Genome position (GRCh38, 1-based): chr2:47,798,600, T>C. VCF-style: chr2-47798600-T-C. GRCh37 (hg19) VCF-style: chr2-48025739-T-C.
Other names: c.-279-11T>C (NM_001281493.2); c.238-11T>C (NM_001281492.2); c.-275-15T>C (NM_001281494.2).
Identifiers: ClinVar variation 2018756 (VCV002018756.5), dbSNP rs757727313, ClinGen allele CA2580067184.

ClinVar aggregate classification (germline): Likely benign. Review status: criteria provided, multiple submitters, no conflicts (2 of 4 stars). 2 submissions from 2 submitters: Likely benign (2). Last evaluated 2024-12-19.

Conditions:
Hereditary nonpolyposis colorectal neoplasms. Identifiers: MedGen C0009405, MeSH D003123.
Lynch syndrome 5 (LYNCH5). Also called: Colorectal cancer, hereditary nonpolyposis, type 5; Hereditary non-polyposis colorectal cancer, type 5. Identifiers: Orphanet 144, MedGen C1833477, MONDO:0013710, OMIM 614350. Disease mechanism: loss of function.

Submissions (2):

Myriad Genetics, Inc.
Classification: Likely benign for Lynch syndrome 5. Last evaluated: 2024-12-19. Review status: criteria provided, single submitter. Criteria: Myriad Autosomal Dominant, Autosomal Recessive and X-Linked Classification Criteria (2023). Collection method: clinical testing. Allele origin: unknown.
Comment: This variant is considered likely benign. This variant is intronic and is not expected to impact mRNA splicing.

Labcorp Genetics (formerly Invitae), Labcorp
Classification: Likely benign for Hereditary nonpolyposis colorectal neoplasms. Last evaluated: 2023-09-30. Review status: criteria provided, single submitter. Criteria: Invitae Variant Classification Sherloc (09022015). Collection method: clinical testing. Allele origin: germline.